The following is an entry in ClinVar:

NM_000138.5(FBN1):c.3347A>T (p.Glu1116Val)

Gene: FBN1 (fibrillin 1; minus strand). Cytogenetic location: 15q21.1.
Variant type: single nucleotide variant.
Coding change: c.3347A>T on transcript NM_000138.5 (MANE Select); coding-DNA position 3347, A replaced by T.
Protein change: p.Glu1116Val; replaces glutamic acid 1116 with valine.
Molecular consequence: missense variant.
Genome position (GRCh38, 1-based): chr15:48,487,428, T>A on the plus strand (A>T on the coding strand, the complement: FBN1 is on the minus strand). VCF-style: chr15-48487428-T-A. GRCh37 (hg19) VCF-style: chr15-48779625-T-A.
Other names: c.3347A>T, p.Glu1116Val (NM_001406716.1); short protein forms E1116V.
Identifiers: ClinVar variation 3754080 (VCV003754080.2).

ClinVar aggregate classification (germline): Pathogenic (1 of 4 stars; one submission).

Conditions:
Marfan syndrome (MFS). Also called: MARFAN SYNDROME, TYPE I; Marfan syndrome type 1; Marfan's syndrome; Marfan syndrome, classic; FBN1-Related Marfan Syndrome. Identifiers: Orphanet 284963, Orphanet 558, MedGen C0024796, MONDO:0007947, OMIM 154700.
Familial thoracic aortic aneurysm and aortic dissection (TAAD). Also called: Thoracic aortic aneurysms and dissections. Identifiers: Orphanet 91387, MedGen C4707243, MONDO:0019625.

Submission:

Labcorp Genetics (formerly Invitae), Labcorp
Classification: Pathogenic for Marfan syndrome; Familial thoracic aortic aneurysm and aortic dissection. Last evaluated: 2024-10-03. Review status: criteria provided, single submitter. Criteria: Invitae Variant Classification Sherloc (09022015). Collection method: clinical testing. Allele origin: germline.
Comment: This sequence change replaces glutamic acid, which is acidic and polar, with valine, which is neutral and non-polar, at codon 1116 of the FBN1 protein (p.Glu1116Val). This variant is not present in population databases (gnomAD no frequency). This missense change has been observed in individual(s) with Marfan syndrome (internal data). Invitae Evidence Modeling of protein sequence and biophysical properties (such as structural, functional, and spatial information, amino acid conservation, physicochemical variation, residue mobility, and thermodynamic stability) indicates that this missense variant is expected to disrupt FBN1 protein function with a positive predictive value of 95%. This variant disrupts the p.Glu1116 amino acid residue in FBN1. Other variant(s) that disrupt this residue have been determined to be pathogenic (internal data). This suggests that this residue is clinically significant, and that variants that disrupt this residue are likely to be disease-causing. For these reasons, this variant has been classified as Pathogenic.